The following is an entry in ClinVar:

NM_017433.5(MYO3A):c.680A>G (p.Asp227Gly)

Gene: MYO3A (myosin IIIA; plus strand). Cytogenetic location: 10p12.1.
Variant type: single nucleotide variant.
Coding change: c.680A>G on transcript NM_017433.5 (MANE Select); coding-DNA position 680, A replaced by G.
Protein change: p.Asp227Gly; replaces aspartic acid 227 with glycine.
Molecular consequence: missense variant.
Genome position (GRCh38, 1-based): chr10:26,021,597, A>G. VCF-style: chr10-26021597-A-G. GRCh37 (hg19) VCF-style: chr10-26310526-A-G.
Other names: c.680A>G, p.Asp227Gly (NM_001368265.1); short protein forms D227G.
Identifiers: ClinVar variation 1307784 (VCV001307784.4), dbSNP rs1842309816, ClinGen allele CA376332841.

ClinVar aggregate classification (germline): Uncertain significance. Review status: criteria provided, multiple submitters, no conflicts (2 of 4 stars). 2 submissions from 2 submitters: Uncertain significance (2). Last evaluated 2024-01-02.

Conditions:
Hearing loss, autosomal dominant 90. Also called: Deafness, autosomal dominant 90. Identifiers: MedGen C5935579, MONDO:0958232, OMIM 620722.

Allele frequency attached by ClinVar (database versions not stated): gnomAD exomes below 0.00001.
gnomAD v4.1: 2 of 1,614,054 alleles (0.00012%); highest among the groups gnomAD compares: Non-Finnish European, 0.00017%; no homozygotes.

Submissions (2):

Medical Molecular Genetics Department, National Research Center
Classification: Uncertain significance for Hearing loss, autosomal dominant 90. Last evaluated: 2024-01-02. Review status: criteria provided, single submitter. Criteria: ACMG Guidelines, 2015. Collection method: clinical testing. Allele origin: germline. Affected: yes.
Comment: PM2,PP3

GeneDx
Classification: Uncertain significance. Last evaluated: 2020-05-07. Review status: criteria provided, single submitter. Criteria: GeneDx Variant Classification Process June 2021. Collection method: clinical testing. Allele origin: germline. Affected: yes.
Comment: Not observed in large population cohorts (Lek et al., 2016); In silico analysis, which includes protein predictors and evolutionary conservation, supports a deleterious effect; Has not been previously published as pathogenic or benign to our knowledge